The following is an entry in ClinVar:

ClinVar aggregate classification (germline): Pathogenic (1 of 4 stars; one submission).

Conditions:
Coffin-Lowry syndrome (CLS). Also called: COFFIN-LOWRY SYNDROME, MILD; Mental retardation with osteocartilaginous abnormalities. Identifiers: Orphanet 192, MedGen C0265252, MONDO:0010561, OMIM 303600.

Submission:

Illumina Laboratory Services, Illumina
Classification: Pathogenic for Coffin-Lowry syndrome. Last evaluated: 2023-03-08. Review status: criteria provided, single submitter. Criteria: ICSLVariantClassificationCriteria RUGD 01 April 2020. Collection method: clinical testing. Allele origin: unknown.
Comment: The RPS6KA3 c.244-1G>A variant results in a substitution at the consensus splice acceptor site, which is predicted to result in splicing defects that may lead to a truncated protein. To our knowledge, this variant has not been reported in the peer-reviewed literature. The c.244-1G>A variant is not found in version 2.1.1 or version 3.1.2 of the Genome Aggregation Database. Based on the available evidence, the c.244-1G>A variant is classified as pathogenic for Coffin-Lowry syndrome.

NM_004586.3(RPS6KA3):c.244-1G>A

Gene: RPS6KA3 (ribosomal protein S6 kinase A3; minus strand). Cytogenetic location: Xp22.12.
Variant type: single nucleotide variant.
Coding change: c.244-1G>A on transcript NM_004586.3 (MANE Select); the canonical splice acceptor site of the intron before coding-DNA position 244, G replaced by A.
Molecular consequence: splice acceptor variant.
Genome position (GRCh38, 1-based): chrX:20,204,104, C>T on the plus strand (G>A on the coding strand, the complement: RPS6KA3 is on the minus strand). VCF-style: chrX-20204104-C-T. GRCh37 (hg19) VCF-style: chrX-20222222-C-T.
Identifiers: ClinVar variation 3069161 (VCV003069161.1), dbSNP rs2519798151, ClinGen allele CA412511884.